The following is an entry in ClinVar:

ClinVar aggregate classification (germline): Uncertain significance. Review status: criteria provided, multiple submitters, no conflicts (2 of 4 stars). 3 submissions from 3 submitters: Uncertain significance (2). 1 of the submissions does not count toward it. Last evaluated 2021-08-27.

Conditions:
Primary ciliary dyskinesia. Also called: Ciliary dyskinesia. Identifiers: Orphanet 244, MedGen C0008780, MONDO:0016575, HP:0012265.

Allele frequency attached by ClinVar (database versions not stated): gnomAD exomes 0.00001 and 0.00003; ExAC 0.00002; TOPMed below 0.00001.
gnomAD v4.1: 15 of 1,614,006 alleles (0.00093%); highest among the groups gnomAD compares: Admixed American, 0.0083%; no homozygotes.

Submissions (3):

Labcorp Genetics (formerly Invitae), Labcorp
Classification: Uncertain significance for Primary ciliary dyskinesia. Last evaluated: 2021-08-27. Review status: criteria provided, single submitter. Criteria: Invitae Variant Classification Sherloc (09022015). Collection method: clinical testing. Allele origin: germline.
Comment: This sequence change replaces valine with alanine at codon 4 of the DNAI2 protein (p.Val4Ala). The valine residue is moderately conserved and there is a small physicochemical difference between valine and alanine. This variant is present in population databases (rs772185024, ExAC 0.02%). This variant has not been reported in the literature in individuals affected with DNAI2-related conditions. Algorithms developed to predict the effect of missense changes on protein structure and function are either unavailable or do not agree on the potential impact of this missense change (SIFT: "Deleterious"; PolyPhen-2: "Benign"; Align-GVGD: "Class C0"). In summary, the available evidence is currently insufficient to determine the role of this variant in disease. Therefore, it has been classified as a Variant of Uncertain Significance.

Ambry Genetics
Classification: Uncertain significance for Primary ciliary dyskinesia. Last evaluated: 2017-04-03. Review status: criteria provided, single submitter. Criteria: Ambry Variant Classification Scheme 2023. Collection method: clinical testing. Allele origin: germline.
Comment: The p.V4A variant (also known as c.11T>C), located in coding exon 1 of the DNAI2 gene, results from a T to C substitution at nucleotide position 11. The valine at codon 4 is replaced by alanine, an amino acid with similar properties. This amino acid position is highly conserved in available vertebrate species. In addition, the in silico prediction for this alteration is inconclusive. Since supporting evidence is limited at this time, the clinical significance of this alteration remains unclear.

Natera, Inc.
Classification: Uncertain significance for Primary ciliary dyskinesia. Last evaluated: 2019-10-28. Review status: no assertion criteria provided. Collection method: clinical testing. Allele origin: germline. Not counted in ClinVar's aggregate classification.

NM_023036.6(DNAI2):c.11T>C (p.Val4Ala)

Gene: DNAI2 (dynein axonemal intermediate chain 2; plus strand). Cytogenetic location: 17q25.1.
Variant type: single nucleotide variant.
Coding change: c.11T>C on transcript NM_023036.6 (MANE Select); coding-DNA position 11, T replaced by C.
Protein change: p.Val4Ala; replaces valine 4 with alanine.
Molecular consequence: missense variant. On other transcripts: non-coding transcript variant (1).
Genome position (GRCh38, 1-based): chr17:74,281,828, T>C. VCF-style: chr17-74281828-T-C. GRCh37 (hg19) VCF-style: chr17-72277967-T-C.
Other names: c.11T>C, p.Val4Ala (NM_001172810.3, NM_001353167.2); short protein forms V4A.
Identifiers: ClinVar variation 581026 (VCV000581026.12), dbSNP rs772185024, ClinGen allele CA8745224.